The following is an entry in ClinVar:

ClinVar aggregate classification (germline): Pathogenic/Likely pathogenic. Review status: criteria provided, multiple submitters, no conflicts (2 of 4 stars). 5 submissions from 5 submitters: Pathogenic (3); Likely pathogenic (2). Last evaluated 2026-02-18.

Conditions:
Intellectual disability, autosomal recessive 42 (NEDDSBA). Also called: GLYCOSYLPHOSPHATIDYLINOSITOL BIOSYNTHESIS DEFECT 9; Neurodevelopmental disorder with dysmorphic features, spasticity, and brain abnormalities. Identifiers: Orphanet 88616, MedGen C4014343, MONDO:0014348, OMIM 615802.
Inborn genetic diseases. Identifiers: MedGen C0950123, MeSH D030342.

Allele frequency attached by ClinVar (database versions not stated): gnomAD exomes 0.00001 and 0.00003; gnomAD 0.00004 and 0.00003; ExAC 0.00002; TOPMed 0.00002.

Submissions (5):

GeneDx
Classification: Likely pathogenic. Last evaluated: 2026-02-18. Review status: criteria provided, single submitter. Criteria: GeneDx Variant Classification Process June 2021. Collection method: clinical testing. Allele origin: germline.
Comment: Identified as a heterozygous paternally inherited variant in a patient with a neurodevelopmental disorder in published literature (PMID: 36672771); Frameshift variant predicted to result in protein truncation or nonsense mediated decay in a gene for which loss of function is a known mechanism of disease; This variant is associated with the following publications: (PMID: 39655768, 36672771)

Women's Health and Genetics/Laboratory Corporation of America, LabCorp
Classification: Pathogenic for Intellectual disability, autosomal recessive 42. Last evaluated: 2025-11-19. Review status: criteria provided, single submitter. Criteria: LabCorp Variant Classification Summary - May 2015. Collection method: clinical testing. Allele origin: germline.
Comment: Variant summary: PGAP1 c.2042delT (p.Leu681ArgfsX4) results in a premature termination codon, predicted to cause a truncation of the encoded protein or absence of the protein due to nonsense mediated decay, which are commonly known mechanisms for disease. The variant allele was found at a frequency of 2.8e-05 in 250532 control chromosomes. c.2042delT has been observed in individual(s) affected with Intellectual Disability, Autosomal Recessive 42 (e.g., Ghalamkari_2025). These data indicate that the variant may be associated with disease. The following publication has been ascertained in the context of this evaluation (PMID: 39655768). ClinVar contains an entry for this variant (Variation ID: 983046). Based on the evidence outlined above, the variant was classified as pathogenic.

Labcorp Genetics (formerly Invitae), Labcorp
Classification: Pathogenic for Intellectual disability, autosomal recessive 42. Last evaluated: 2024-10-17. Review status: criteria provided, single submitter. Criteria: Invitae Variant Classification Sherloc (09022015). Collection method: clinical testing. Allele origin: germline.
Comment: This sequence change creates a premature translational stop signal (p.Leu681Argfs*4) in the PGAP1 gene. It is expected to result in an absent or disrupted protein product. Loss-of-function variants in PGAP1 are known to be pathogenic (PMID: 17711852, 26050939, 27848944). This variant is present in population databases (rs756609752, gnomAD 0.05%). This variant has not been reported in the literature in individuals affected with PGAP1-related conditions. ClinVar contains an entry for this variant (Variation ID: 983046). For these reasons, this variant has been classified as Pathogenic.

Ambry Genetics
Classification: Pathogenic for Inborn genetic diseases. Last evaluated: 2022-05-09. Review status: criteria provided, single submitter. Criteria: Ambry Variant Classification Scheme 2023. Collection method: clinical testing. Allele origin: germline.
Comment: The c.2042delT (p.L681Rfs*4) alteration, located in exon 22 (coding exon 22) of the PGAP1 gene, consists of a deletion of one nucleotide at position 2042, causing a translational frameshift with a predicted alternate stop codon after 4 amino acids. This alteration is expected to result in loss of function by premature protein truncation or nonsense-mediated mRNA decay. Based on the available evidence, this alteration is classified as pathogenic.

Institute of Human Genetics, University of Leipzig Medical Center
Classification: Likely pathogenic for Intellectual disability, autosomal recessive 42. Last evaluated: 2019-01-01. Review status: criteria provided, single submitter. Criteria: ACMG Guidelines, 2015. Collection method: clinical testing. Allele origin: unknown. Affected: yes.

Literature cited by the submitters: PubMed 39655768 (cited by Women's Health and Genetics/Laboratory Corporation of America, LabCorp); PubMed 17711852 (cited by Labcorp Genetics (formerly Invitae), Labcorp); PubMed 26050939 (cited by Labcorp Genetics (formerly Invitae), Labcorp); PubMed 27848944 (cited by Labcorp Genetics (formerly Invitae), Labcorp).

NM_024989.4(PGAP1):c.2042del (p.Leu681fs)

Gene: PGAP1 (post-GPI attachment to proteins inositol deacylase 1; minus strand). Cytogenetic location: 2q33.1.
Variant type: Deletion.
Coding change: c.2042del on transcript NM_024989.4 (MANE Select); coding-DNA position 2042, one base deleted (T; older notation c.2042delT).
Protein change: p.Leu681fs; shifts the reading frame from leucine 681.
Molecular consequence: frameshift variant.
Genome position (GRCh38, 1-based): chr2:196,847,111, A deleted on the plus strand (T on the coding strand, the reverse complement: PGAP1 is on the minus strand). VCF-style (leftmost placement, unchanged base first): chr2-196847110-CA-C. GRCh37 (hg19) VCF-style: chr2-197711834-CA-C.
Other names: c.2042delT (NM_024989.4, NM_024989.3); c.1520del, p.Leu507fs (NM_001321099.2); c.875del, p.Leu292fs (NM_001321100.2); short protein forms L292fs, L507fs, L681fs.
Identifiers: ClinVar variation 983046 (VCV000983046.9), dbSNP rs756609752, ClinGen allele CA2040726.